The following is an entry in ClinVar:

NM_012268.4(PLD3):c.1082G>A (p.Arg361His)

Gene: PLD3 (phospholipase D family member 3; plus strand). Cytogenetic location: 19q13.2.
Variant type: single nucleotide variant.
Coding change: c.1082G>A on transcript NM_012268.4 (MANE Select); coding-DNA position 1082, G replaced by A.
Protein change: p.Arg361His; replaces arginine 361 with histidine.
Molecular consequence: missense variant.
Genome position (GRCh38, 1-based): chr19:40,376,671, G>A. VCF-style: chr19-40376671-G-A. GRCh37 (hg19) VCF-style: chr19-40882578-G-A.
Other names: c.1082G>A, p.Arg361His (NM_001031696.4, NM_001291311.2); short protein forms R361H.
Identifiers: ClinVar variation 3608373 (VCV003608373.2).

ClinVar aggregate classification (germline): Uncertain significance (1 of 4 stars; one submission).

gnomAD v4.1: 29 of 1,606,588 alleles (0.0018%); highest among the groups gnomAD compares: East Asian, 0.0022%; no homozygotes.

Submission:

Labcorp Genetics (formerly Invitae), Labcorp
Classification: Uncertain significance. Last evaluated: 2025-10-02. Review status: criteria provided, single submitter. Criteria: Invitae Variant Classification Sherloc (09022015). Collection method: clinical testing. Allele origin: germline.
Comment: This sequence change replaces arginine, which is basic and polar, with histidine, which is basic and polar, at codon 361 of the PLD3 protein (p.Arg361His). The frequency data for this variant in the population databases is considered unreliable, as metrics indicate poor data quality at this position in the gnomAD database. This variant has not been reported in the literature in individuals affected with PLD3-related conditions. ClinVar contains an entry for this variant (Variation ID: 3608373). An algorithm developed to predict the effect of missense changes on protein structure and function (PolyPhen-2) suggests that this variant is likely to be disruptive. In summary, the available evidence is currently insufficient to determine the role of this variant in disease. Therefore, it has been classified as a Variant of Uncertain Significance.